The following is an entry in ClinVar:

NM_003105.6(SORL1):c.5091G>C (p.Met1697Ile)

Gene: SORL1 (sortilin related receptor 1; plus strand). Cytogenetic location: 11q24.1.
Variant type: single nucleotide variant.
Coding change: c.5091G>C on transcript NM_003105.6 (MANE Select); coding-DNA position 5091, G replaced by C.
Protein change: p.Met1697Ile; replaces methionine 1697 with isoleucine.
Molecular consequence: missense variant.
Genome position (GRCh38, 1-based): chr11:121,607,215, G>C. VCF-style: chr11-121607215-G-C. GRCh37 (hg19) VCF-style: chr11-121477924-G-C.
Other names: short protein forms M1697I.
Identifiers: ClinVar variation 4769649 (VCV004769649.1).

ClinVar aggregate classification (germline): Uncertain significance (1 of 4 stars; one submission).

Submission:

Labcorp Genetics (formerly Invitae), Labcorp
Classification: Uncertain significance. Last evaluated: 2025-11-27. Review status: criteria provided, single submitter. Criteria: Invitae Variant Classification Sherloc (09022015). Collection method: clinical testing. Allele origin: germline.
Comment: This sequence change replaces methionine, which is neutral and non-polar, with isoleucine, which is neutral and non-polar, at codon 1697 of the SORL1 protein (p.Met1697Ile). This variant is present in population databases (rs770267452, gnomAD 0.004%). This variant has not been reported in the literature in individuals affected with SORL1-related conditions. An algorithm developed to predict the effect of missense changes on protein structure and function outputs the following: PolyPhen-2: "Benign". The isoleucine amino acid residue is found in multiple mammalian species, which suggests that this missense change does not adversely affect protein function. In summary, the available evidence is currently insufficient to determine the role of this variant in disease. Therefore, it has been classified as a Variant of Uncertain Significance.